The following is an entry in ClinVar:

NM_005321.3(H1-4):c.567G>C (p.Ala189=)

Gene: H1-4 (H1.4 linker histone, cluster member; plus strand). Cytogenetic location: 6p22.2.
Variant type: single nucleotide variant.
Coding change: c.567G>C on transcript NM_005321.3 (MANE Select); coding-DNA position 567, G replaced by C.
Protein change: p.Ala189=; no amino-acid change (alanine 189 retained).
Molecular consequence: synonymous variant.
Genome position (GRCh38, 1-based): chr6:26,156,957, G>C. VCF-style: chr6-26156957-G-C. GRCh37 (hg19) VCF-style: chr6-26157185-G-C.
Identifiers: ClinVar variation 3388946 (VCV003388946.14).
Genomic context (GRCh38, chr6:26,156,957, plus strand): 5'-AGCGAAAAGCCCGAAAAAGGCGAAAGCAGCCAAGCCAAAAAAGGCGCCCAAGAGCCCAGC[G>C]AAGGCCAAAGCAGTTAAACCCAAGGCGGCTAAACCAAAGACCGCCAAGCCCAAGGCAGCC-3'
Protein context (NP_005312.1, residues 179-199): AKPKKAPKSP[Ala189=]KAKAVKPKAA

ClinVar aggregate classification (germline): Likely benign (1 of 4 stars; one submission).

Submission:

CeGaT Center for Human Genetics Tuebingen
Classification: Likely benign. Last evaluated: 2024-09-01. Review status: criteria provided, single submitter. Criteria: CeGaT Center For Human Genetics Tuebingen Variant Classification Criteria Version 2. Collection method: clinical testing. Allele origin: germline. Affected: yes. Observed: 1 variant allele.
Comment: H1-4: BP4, BP7